The following is an entry in ClinVar:

ClinVar aggregate classification (germline): Uncertain significance (1 of 4 stars; one submission).

Conditions:
Methylmalonic aciduria and homocystinuria type cblD (MAHCD). Also called: Methylmalonic aciduria with homocystinuria cblD type; METHYLMALONIC ACIDEMIA, cblH TYPE. Identifiers: Orphanet 622, Orphanet 79283, MedGen C1848552, MONDO:0010185, OMIM 277410.

Allele frequency attached by ClinVar (database versions not stated): gnomAD 0.00001; ExAC 0.00002; TOPMed 0.00002.
gnomAD v4.1: 7 of 1,613,644 alleles (0.00043%); highest among the groups gnomAD compares: African/African-American, 0.0053%; no homozygotes.

Submission:

Labcorp Genetics (formerly Invitae), Labcorp
Classification: Uncertain significance for Methylmalonic aciduria and homocystinuria type cblD. Last evaluated: 2022-07-12. Review status: criteria provided, single submitter. Criteria: Invitae Variant Classification Sherloc (09022015). Collection method: clinical testing. Allele origin: germline.
Comment: This sequence change replaces leucine, which is neutral and non-polar, with valine, which is neutral and non-polar, at codon 242 of the MMADHC protein (p.Leu242Val). This variant is present in population databases (rs747419183, gnomAD 0.01%). This variant has not been reported in the literature in individuals affected with MMADHC-related conditions. Algorithms developed to predict the effect of missense changes on protein structure and function are either unavailable or do not agree on the potential impact of this missense change (SIFT: "Deleterious"; PolyPhen-2: "Probably Damaging"; Align-GVGD: "Class C0"). In summary, the available evidence is currently insufficient to determine the role of this variant in disease. Therefore, it has been classified as a Variant of Uncertain Significance.

NM_015702.3(MMADHC):c.724C>G (p.Leu242Val)

Gene: MMADHC (metabolism of cobalamin associated D; minus strand). Cytogenetic location: 2q23.2.
Variant type: single nucleotide variant.
Coding change: c.724C>G on transcript NM_015702.3 (MANE Select); coding-DNA position 724, C replaced by G.
Protein change: p.Leu242Val; replaces leucine 242 with valine.
Molecular consequence: missense variant.
Genome position (GRCh38, 1-based): chr2:149,570,141, G>C on the plus strand (C>G on the coding strand, the complement: MMADHC is on the minus strand). VCF-style: chr2-149570141-G-C. GRCh37 (hg19) VCF-style: chr2-150426655-G-C.
Other names: short protein forms L242V.
Identifiers: ClinVar variation 1935302 (VCV001935302.2), dbSNP rs747419183, ClinGen allele CA1902279.